The following is an entry in ClinVar:

ClinVar aggregate classification (germline): Uncertain significance. Review status: criteria provided, multiple submitters, no conflicts (2 of 4 stars). 2 submissions from 2 submitters: Uncertain significance (2). Last evaluated 2024-08-28.

Conditions:
Fanconi anemia (FA). Also called: Fanconi's anemia. Identifiers: Orphanet 84, MedGen C0015625, MeSH D005199, MONDO:0019391.
Fanconi anemia complementation group B (FANCB). Also called: FANCB-Related Fanconi Anemia; FANCONI PANCYTOPENIA, TYPE 2. Identifiers: Orphanet 84, MedGen C1845292, MONDO:0010351, OMIM 300514.

gnomAD v4.1: 4 of 1,202,611 alleles (0.00033%); highest among the groups gnomAD compares: African/African-American, 0.007%; no homozygotes.

Submissions (2):

Labcorp Genetics (formerly Invitae), Labcorp
Classification: Uncertain significance for Fanconi anemia. Last evaluated: 2024-08-28. Review status: criteria provided, single submitter. Criteria: Invitae Variant Classification Sherloc (09022015). Collection method: clinical testing. Allele origin: germline.
Comment: This sequence change replaces valine, which is neutral and non-polar, with isoleucine, which is neutral and non-polar, at codon 726 of the FANCB protein (p.Val726Ile). This variant is present in population databases (rs777566944, gnomAD 0.008%). This variant has not been reported in the literature in individuals affected with FANCB-related conditions. Invitae Evidence Modeling of protein sequence and biophysical properties (such as structural, functional, and spatial information, amino acid conservation, physicochemical variation, residue mobility, and thermodynamic stability) indicates that this missense variant is not expected to disrupt FANCB protein function with a negative predictive value of 80%. In summary, the available evidence is currently insufficient to determine the role of this variant in disease. Therefore, it has been classified as a Variant of Uncertain Significance.

Fulgent Genetics
Classification: Uncertain significance for Fanconi anemia complementation group B. Last evaluated: 2024-05-21. Review status: criteria provided, single submitter. Criteria: ACMG Guidelines, 2015. Collection method: clinical testing. Allele origin: germline.

NM_001018113.3(FANCB):c.2176G>A (p.Val726Ile)

Gene: FANCB (FA complementation group B; minus strand). Cytogenetic location: Xp22.2.
Variant type: single nucleotide variant.
Coding change: c.2176G>A on transcript NM_001018113.3 (MANE Select); coding-DNA position 2176, G replaced by A.
Protein change: p.Val726Ile; replaces valine 726 with isoleucine.
Molecular consequence: missense variant.
Genome position (GRCh38, 1-based): chrX:14,843,971, C>T on the plus strand (G>A on the coding strand, the complement: FANCB is on the minus strand). VCF-style: chrX-14843971-C-T. GRCh37 (hg19) VCF-style: chrX-14862093-C-T.
Other names: c.2176G>A, p.Val726Ile (NM_001324162.2, NM_001410764.1, NM_152633.4); short protein forms V726I.
Identifiers: ClinVar variation 3598121 (VCV003598121.3).